The following is an entry in ClinVar:

NM_001077.4(UGT2B17):c.1348C>T (p.His450Tyr)

Gene: UGT2B17 (UDP glucuronosyltransferase family 2 member B17; minus strand). Cytogenetic location: 4q13.2.
Variant type: single nucleotide variant.
Coding change: c.1348C>T on transcript NM_001077.4 (MANE Select); coding-DNA position 1348, C replaced by T.
Protein change: p.His450Tyr; replaces histidine 450 with tyrosine.
Molecular consequence: missense variant.
Genome position (GRCh38, 1-based): chr4:68,537,870, G>A on the plus strand (C>T on the coding strand, the complement: UGT2B17 is on the minus strand). VCF-style: chr4-68537870-G-A. GRCh37 (hg19) VCF-style: chr4-69403588-G-A.
Other names: short protein forms H450Y.
Identifiers: ClinVar variation 789998 (VCV000789998.7), dbSNP rs72551385, ClinGen allele CA2942042.

ClinVar aggregate classification (germline): Benign. Review status: criteria provided, multiple submitters, no conflicts (2 of 4 stars). 3 submissions from 3 submitters: Benign (2). 1 of the submissions does not count toward it. Last evaluated 2019-12-31.

Conditions:
UGT2B17-related disorder. Also called: UGT2B17-related condition.

Allele frequency attached by ClinVar (database versions not stated): gnomAD exomes 0.00389 and 0.00127; ExAC 0.00505; 1000 Genomes Project 0.01338; gnomAD 0.01401 and 0.01473; 1000 Genomes Project 30x 0.01530; ESP Exome Variant Server 0.01578.
gnomAD v4.1: 3,413 of 1,371,496 alleles (0.25%); highest among the groups gnomAD compares: African/African-American, 4.5%; 718 homozygotes.

Submissions (3):

Labcorp Genetics (formerly Invitae), Labcorp
Classification: Benign. Last evaluated: 2019-12-31. Review status: criteria provided, single submitter. Criteria: Invitae Variant Classification Sherloc (09022015). Collection method: clinical testing. Allele origin: germline.

Breakthrough Genomics
Classification: Benign. Review status: criteria provided, single submitter. Criteria: ACMG Guidelines, 2015. Collection method: not provided. Allele origin: germline. Inheritance: Unknown mechanism. Affected: yes.

PreventionGenetics, part of Exact Sciences
Classification: Benign for UGT2B17-related condition. Last evaluated: 2019-10-31. Review status: no assertion criteria provided. Collection method: clinical testing. Allele origin: germline. Not counted in ClinVar's aggregate classification.
Comment: This variant is classified as benign based on ACMG/AMP sequence variant interpretation guidelines (Richards et al. 2015 PMID: 25741868, with internal and published modifications).